The following is an entry in ClinVar:

ClinVar aggregate classification (germline): Uncertain significance. Review status: criteria provided, multiple submitters, no conflicts (2 of 4 stars). 2 submissions from 2 submitters: Uncertain significance (2). Last evaluated 2023-12-12.

Allele frequency attached by ClinVar (database versions not stated): gnomAD 0.00004; gnomAD exomes 0.00005; TOPMed 0.00005.
gnomAD v4.1: 77 of 1,613,472 alleles (0.0048%); highest among the groups gnomAD compares: Non-Finnish European, 0.0061%; no homozygotes.

Submissions (2):

Mayo Clinic Laboratories, Mayo Clinic
Classification: Uncertain significance. Last evaluated: 2023-12-12. Review status: criteria provided, single submitter. Criteria: ACMG Guidelines, 2015. Collection method: clinical testing. Allele origin: germline. Observed: 1 variant allele.
Comment: BP4

Labcorp Genetics (formerly Invitae), Labcorp
Classification: Uncertain significance. Last evaluated: 2022-04-28. Review status: criteria provided, single submitter. Criteria: Invitae Variant Classification Sherloc (09022015). Collection method: clinical testing. Allele origin: germline.
Comment: This sequence change replaces lysine, which is basic and polar, with arginine, which is basic and polar, at codon 316 of the VPS13C protein (p.Lys316Arg). This variant is present in population databases (no rsID available, gnomAD 0.004%). This variant has not been reported in the literature in individuals affected with VPS13C-related conditions. Algorithms developed to predict the effect of missense changes on protein structure and function output the following: SIFT: "Tolerated"; PolyPhen-2: "Benign"; Align-GVGD: "Class C0". The arginine amino acid residue is found in multiple mammalian species, which suggests that this missense change does not adversely affect protein function. In summary, the available evidence is currently insufficient to determine the role of this variant in disease. Therefore, it has been classified as a Variant of Uncertain Significance.

NM_020821.3(VPS13C):c.947A>G (p.Lys316Arg)

Gene: VPS13C (vacuolar protein sorting 13 homolog C; minus strand). Cytogenetic location: 15q22.2.
Variant type: single nucleotide variant.
Coding change: c.947A>G on transcript NM_020821.3 (MANE Select); coding-DNA position 947, A replaced by G.
Protein change: p.Lys316Arg; replaces lysine 316 with arginine.
Molecular consequence: missense variant.
Genome position (GRCh38, 1-based): chr15:62,010,536, T>C on the plus strand (A>G on the coding strand, the complement: VPS13C is on the minus strand). VCF-style: chr15-62010536-T-C. GRCh37 (hg19) VCF-style: chr15-62302735-T-C.
Other names: p.Lys316Arg; c.947A>G, p.Lys316Arg (NM_001018088.3); c.818A>G, p.Lys273Arg (NM_017684.5, NM_018080.4); short protein forms K316R, K273R.
Identifiers: ClinVar variation 2143910 (VCV002143910.3), dbSNP rs965955016, ClinGen allele CA271921047.